The following is an entry in ClinVar:

NM_024577.4(SH3TC2):c.2999A>C (p.Glu1000Ala)

Gene: SH3TC2 (SH3 domain and tetratricopeptide repeats 2; minus strand). Cytogenetic location: 5q32.
Variant type: single nucleotide variant.
Coding change: c.2999A>C on transcript NM_024577.4 (MANE Select); coding-DNA position 2999, A replaced by C.
Protein change: p.Glu1000Ala; replaces glutamic acid 1000 with alanine.
Molecular consequence: missense variant.
Genome position (GRCh38, 1-based): chr5:149,026,626, T>G on the plus strand (A>C on the coding strand, the complement: SH3TC2 is on the minus strand). VCF-style: chr5-149026626-T-G. GRCh37 (hg19) VCF-style: chr5-148406189-T-G.
Other names: short protein forms E1000A.
Identifiers: ClinVar variation 1375186 (VCV001375186.8), dbSNP rs192187328, ClinGen allele CA3498880.

ClinVar aggregate classification (germline): Uncertain significance. Review status: criteria provided, multiple submitters, no conflicts (2 of 4 stars). 3 submissions from 3 submitters: Uncertain significance (3). Last evaluated 2025-11-26.

Conditions:
Charcot-Marie-Tooth disease type 4. Also called: Charcot-Marie-Tooth disease, type IV; Charcot-Marie-Tooth, Type 4. Identifiers: Orphanet 64749, MedGen C4082197, MONDO:0018995.
SH3TC2-related disorder. Also called: SH3TC2-related disorders; SH3TC2-related condition. Identifiers: MedGen CN239303.
Inborn genetic diseases. Identifiers: MedGen C0950123, MeSH D030342.

Allele frequency attached by ClinVar (database versions not stated): ExAC 0.00002; gnomAD 0.00002 and 0.00003; gnomAD exomes 0.00002; TOPMed 0.00002; ESP Exome Variant Server 0.00015; 1000 Genomes Project 0.00020; 1000 Genomes Project 30x 0.00031.
gnomAD v4.1: 32 of 1,614,180 alleles (0.002%); highest among the groups gnomAD compares: Non-Finnish European, 0.0026%; no homozygotes.

Submissions (3):

PreventionGenetics, part of Exact Sciences
Classification: Uncertain significance for SH3TC2-related condition. Last evaluated: 2025-11-26. Review status: criteria provided, single submitter. Criteria: ACMG Guidelines, 2015. Collection method: clinical testing. Allele origin: germline.
Comment: The SH3TC2 c.2999A>C variant is predicted to result in the amino acid substitution p.Glu1000Ala. To our knowledge, this variant has not been reported in the literature. This variant is reported in 0.0054% of alleles in individuals of European (Non-Finnish) descent in gnomAD. At this time, the clinical significance of this variant is uncertain due to the absence of conclusive functional and genetic evidence.

Ambry Genetics
Classification: Uncertain significance for Inborn genetic diseases. Last evaluated: 2022-03-08. Review status: criteria provided, single submitter. Criteria: Ambry Variant Classification Scheme 2023. Collection method: clinical testing. Allele origin: germline.
Comment: The p.E1000A variant (also known as c.2999A>C), located in coding exon 12 of the SH3TC2 gene, results from an A to C substitution at nucleotide position 2999. The glutamic acid at codon 1000 is replaced by alanine, an amino acid with dissimilar properties. This amino acid position is conserved. In addition, the in silico prediction for this alteration is inconclusive. Since supporting evidence is limited at this time, the clinical significance of this alteration remains unclear.

Labcorp Genetics (formerly Invitae), Labcorp
Classification: Uncertain significance for Charcot-Marie-Tooth disease type 4. Last evaluated: 2021-09-01. Review status: criteria provided, single submitter. Criteria: Invitae Variant Classification Sherloc (09022015). Collection method: clinical testing. Allele origin: germline.
Comment: This sequence change replaces glutamic acid with alanine at codon 1000 of the SH3TC2 protein (p.Glu1000Ala). The glutamic acid residue is highly conserved and there is a moderate physicochemical difference between glutamic acid and alanine. This variant is present in population databases (rs192187328, ExAC 0.004%). This variant has not been reported in the literature in individuals affected with SH3TC2-related conditions. Algorithms developed to predict the effect of missense changes on protein structure and function (SIFT, PolyPhen-2, Align-GVGD) all suggest that this variant is likely to be disruptive. In summary, the available evidence is currently insufficient to determine the role of this variant in disease. Therefore, it has been classified as a Variant of Uncertain Significance.